The following is an entry in ClinVar:

ClinVar aggregate classification (germline): Uncertain significance. Review status: criteria provided, multiple submitters, no conflicts (2 of 4 stars). 2 submissions from 2 submitters: Uncertain significance (2). Last evaluated 2025-08-21.

Conditions:
Inborn genetic diseases. Identifiers: MedGen C0950123, MeSH D030342.

Submissions (2):

Ambry Genetics
Classification: Uncertain significance for Inborn genetic diseases. Last evaluated: 2025-08-21. Review status: criteria provided, single submitter. Criteria: Ambry Variant Classification Scheme 2023. Collection method: clinical testing. Allele origin: germline.

Labcorp Genetics (formerly Invitae), Labcorp
Classification: Uncertain significance. Last evaluated: 2024-07-10. Review status: criteria provided, single submitter. Criteria: Invitae Variant Classification Sherloc (09022015). Collection method: clinical testing. Allele origin: germline.
Comment: This sequence change replaces proline, which is neutral and non-polar, with serine, which is neutral and polar, at codon 87 of the ATP1A1 protein (p.Pro87Ser). This variant is not present in population databases (gnomAD no frequency). This variant has not been reported in the literature in individuals affected with ATP1A1-related conditions. Advanced modeling of protein sequence and biophysical properties (such as structural, functional, and spatial information, amino acid conservation, physicochemical variation, residue mobility, and thermodynamic stability) performed at Invitae indicates that this missense variant is not expected to disrupt ATP1A1 protein function with a negative predictive value of 80%. In summary, the available evidence is currently insufficient to determine the role of this variant in disease. Therefore, it has been classified as a Variant of Uncertain Significance.

NM_000701.8(ATP1A1):c.259C>T (p.Pro87Ser)

Gene: ATP1A1 (ATPase Na+/K+ transporting subunit alpha 1; plus strand). Cytogenetic location: 1p13.1.
Variant type: single nucleotide variant.
Coding change: c.259C>T on transcript NM_000701.8 (MANE Select); coding-DNA position 259, C replaced by T.
Protein change: p.Pro87Ser; replaces proline 87 with serine.
Molecular consequence: missense variant.
Genome position (GRCh38, 1-based): chr1:116,387,363, C>T. VCF-style: chr1-116387363-C-T. GRCh37 (hg19) VCF-style: chr1-116929985-C-T.
Other names: c.259C>T, p.Pro87Ser (NM_001160233.2); c.166C>T, p.Pro56Ser (NM_001160234.2); c.259C>T (NM_001160233.1); short protein forms P56S, P87S.
Identifiers: ClinVar variation 3674912 (VCV003674912.3).